The following is an entry in ClinVar:

NM_000257.4(MYH7):c.2163-2A>G

Gene: MYH7 (myosin heavy chain 7; minus strand). Cytogenetic location: 14q11.2.
Variant type: single nucleotide variant.
Coding change: c.2163-2A>G on transcript NM_000257.4 (MANE Select); the canonical splice acceptor site of the intron before coding-DNA position 2163, A replaced by G.
Molecular consequence: splice acceptor variant.
Genome position (GRCh38, 1-based): chr14:23,425,820, T>C on the plus strand (A>G on the coding strand, the complement: MYH7 is on the minus strand). VCF-style: chr14-23425820-T-C. GRCh37 (hg19) VCF-style: chr14-23895029-T-C.
Other names: c.2163-2A>G (NM_001407004.1).
Identifiers: ClinVar variation 4752755 (VCV004752755.1).

ClinVar aggregate classification (germline): Uncertain significance (1 of 4 stars; one submission).

Conditions:
Hypertrophic cardiomyopathy. Also called: HYPERTROPHIC MYOCARDIOPATHY. Identifiers: Orphanet 217569, MedGen C0007194, MeSH D002312, MONDO:0005045, HP:0001639.

gnomAD v4.1: 3 of 1,613,800 alleles (0.00019%); highest among the groups gnomAD compares: Non-Finnish European, 0.00025%; no homozygotes.

Submission:

Labcorp Genetics (formerly Invitae), Labcorp
Classification: Uncertain significance for Hypertrophic cardiomyopathy. Last evaluated: 2025-12-03. Review status: criteria provided, single submitter. Criteria: Invitae Variant Classification Sherloc (09022015). Collection method: clinical testing. Allele origin: germline.
Comment: This sequence change affects an acceptor splice site in intron 19 of the MYH7 gene. It is expected to disrupt RNA splicing. Variants that disrupt the donor or acceptor splice site typically lead to a loss of protein function (PMID: 16199547), however the current clinical and genetic evidence is not sufficient to establish whether loss-of-function variants in MYH7 cause disease. This variant is not present in population databases (gnomAD no frequency). This variant has not been reported in the literature in individuals affected with MYH7-related conditions. Algorithms developed to predict the effect of sequence changes on RNA splicing suggest that this variant may disrupt the consensus splice site. In summary, the available evidence is currently insufficient to determine the role of this variant in disease. Therefore, it has been classified as a Variant of Uncertain Significance.

Literature cited by the submitters: PubMed 16199547.